The following is an entry in ClinVar:

NM_001363711.2(DUOX2):c.4553G>A (p.Gly1518Asp)

Gene: DUOX2 (dual oxidase 2; minus strand). Cytogenetic location: 15q21.1.
Variant type: single nucleotide variant.
Coding change: c.4553G>A on transcript NM_001363711.2 (MANE Select); coding-DNA position 4553, G replaced by A.
Protein change: p.Gly1518Asp; replaces glycine 1518 with aspartic acid.
Molecular consequence: missense variant.
Genome position (GRCh38, 1-based): chr15:45,094,244, C>T on the plus strand (G>A on the coding strand, the complement: DUOX2 is on the minus strand). VCF-style: chr15-45094244-C-T. GRCh37 (hg19) VCF-style: chr15-45386442-C-T.
Other names: c.4553G>A, p.Gly1518Asp (NM_014080.5); short protein forms G1518D.
Identifiers: ClinVar variation 2990710 (VCV002990710.3), dbSNP rs2504735219, ClinGen allele CA392249383.

ClinVar aggregate classification (germline): Likely pathogenic (1 of 4 stars; one submission).

Allele frequency attached by ClinVar (database versions not stated): gnomAD exomes below 0.00001.
gnomAD v4.1: 1 of 1,614,146 alleles (0.000062%); highest among the groups gnomAD compares: Admixed American, 0.0017%; no homozygotes.

Submission:

Labcorp Genetics (formerly Invitae), Labcorp
Classification: Likely pathogenic. Last evaluated: 2025-03-31. Review status: criteria provided, single submitter. Criteria: Invitae Variant Classification Sherloc (09022015). Collection method: clinical testing. Allele origin: germline.
Comment: This sequence change replaces glycine, which is neutral and non-polar, with aspartic acid, which is acidic and polar, at codon 1518 of the DUOX2 protein (p.Gly1518Asp). This variant is not present in population databases (gnomAD no frequency). This variant has not been reported in the literature in individuals affected with DUOX2-related conditions. ClinVar contains an entry for this variant (Variation ID: 2990710). Invitae Evidence Modeling of protein sequence and biophysical properties (such as structural, functional, and spatial information, amino acid conservation, physicochemical variation, residue mobility, and thermodynamic stability) indicates that this missense variant is expected to disrupt DUOX2 protein function with a positive predictive value of 95%. This variant disrupts the p.Gly1518 amino acid residue in DUOX2. Other variant(s) that disrupt this residue have been determined to be pathogenic (PMID: 20187165, 31030636). This suggests that this residue is clinically significant, and that variants that disrupt this residue are likely to be disease-causing. In summary, the currently available evidence indicates that the variant is pathogenic, but additional data are needed to prove that conclusively. Therefore, this variant has been classified as Likely Pathogenic.

Literature cited by the submitters: PubMed 20187165; PubMed 31030636.